The following is an entry in ClinVar:

ClinVar aggregate classification (germline): Likely pathogenic (1 of 4 stars; one submission).

Conditions:
Diffuse cerebral and cerebellar atrophy - intractable seizures - progressive microcephaly syndrome. Also called: Microcephaly, progressive, with seizures and cerebral and cerebellar atrophy. Identifiers: Orphanet 404437, MedGen C4014239, MONDO:0014335, OMIM 615760.

Allele frequency attached by ClinVar (database versions not stated): gnomAD exomes below 0.00001.

Submission:

Labcorp Genetics (formerly Invitae), Labcorp
Classification: Likely pathogenic for Diffuse cerebral and cerebellar atrophy - intractable seizures - progressive microcephaly syndrome. Last evaluated: 2023-03-16. Review status: criteria provided, single submitter. Criteria: Invitae Variant Classification Sherloc (09022015). Collection method: clinical testing. Allele origin: germline.
Comment: ClinVar contains an entry for this variant (Variation ID: 1474499). This variant has not been reported in the literature in individuals affected with QARS-related conditions. This variant is not present in population databases (gnomAD no frequency). This sequence change affects a donor splice site in intron 16 of the QARS gene. It is expected to disrupt RNA splicing. Variants that disrupt the donor or acceptor splice site typically lead to a loss of protein function (PMID: 16199547), and loss-of-function variants in QARS are known to be pathogenic (PMID: 24656866, 25471517). Algorithms developed to predict the effect of sequence changes on RNA splicing suggest that this variant may disrupt the consensus splice site. In summary, the currently available evidence indicates that the variant is pathogenic, but additional data are needed to prove that conclusively. Therefore, this variant has been classified as Likely Pathogenic.

Literature cited by the submitters: PubMed 16199547; PubMed 24656866; PubMed 25471517.

NM_005051.3(QARS1):c.1526+1G>A

Gene: QARS1 (glutaminyl-tRNA synthetase 1; minus strand). Cytogenetic location: 3p21.31.
Variant type: single nucleotide variant.
Coding change: c.1526+1G>A on transcript NM_005051.3 (MANE Select); the canonical splice donor site of the intron after coding-DNA position 1526, G replaced by A.
Molecular consequence: splice donor variant.
Genome position (GRCh38, 1-based): chr3:49,099,509, C>T on the plus strand (G>A on the coding strand, the complement: QARS1 is on the minus strand). VCF-style: chr3-49099509-C-T. GRCh37 (hg19) VCF-style: chr3-49136942-C-T.
Other names: c.1493+1G>A (NM_001272073.2).
Identifiers: ClinVar variation 1474499 (VCV001474499.8), dbSNP rs372844870, ClinGen allele CA352705603.